The following is an entry in ClinVar:

NM_004385.5(VCAN):c.959T>G (p.Leu320Arg)

Gene: VCAN (versican; plus strand). Cytogenetic location: 5q14.3.
Variant type: single nucleotide variant.
Coding change: c.959T>G on transcript NM_004385.5 (MANE Select); coding-DNA position 959, T replaced by G.
Protein change: p.Leu320Arg; replaces leucine 320 with arginine.
Molecular consequence: missense variant.
Genome position (GRCh38, 1-based): chr5:83,512,313, T>G. VCF-style: chr5-83512313-T-G. GRCh37 (hg19) VCF-style: chr5-82808132-T-G.
Other names: c.959T>G, p.Leu320Arg (NM_001126336.3, NM_001164097.2, NM_001164098.2); c.959T>G (NM_004385.4); short protein forms L320R.
Identifiers: ClinVar variation 1045729 (VCV001045729.10), dbSNP rs759677939, ClinGen allele CA3332559.

ClinVar aggregate classification (germline): Uncertain significance. Review status: criteria provided, multiple submitters, no conflicts (2 of 4 stars). 2 submissions from 2 submitters: Uncertain significance (2). Last evaluated 2025-09-09.

Conditions:
Inborn genetic diseases. Identifiers: MedGen C0950123, MeSH D030342.

Allele frequency attached by ClinVar (database versions not stated): TOPMed below 0.00001; gnomAD exomes 0.00001 and 0.00002; ExAC 0.00002.
gnomAD v4.1: 6 of 1,613,744 alleles (0.00037%); highest among the groups gnomAD compares: Admixed American, 0.01%; no homozygotes.

Submissions (2):

Labcorp Genetics (formerly Invitae), Labcorp
Classification: Uncertain significance. Last evaluated: 2025-09-09. Review status: criteria provided, single submitter. Criteria: Invitae Variant Classification Sherloc (09022015). Collection method: clinical testing. Allele origin: germline.
Comment: This sequence change replaces leucine, which is neutral and non-polar, with arginine, which is basic and polar, at codon 320 of the VCAN protein (p.Leu320Arg). This variant is present in population databases (rs759677939, gnomAD 0.01%). This variant has not been reported in the literature in individuals affected with VCAN-related conditions. ClinVar contains an entry for this variant (Variation ID: 1045729). An algorithm developed to predict the effect of missense changes on protein structure and function (PolyPhen-2) suggests that this variant is likely to be disruptive. In summary, the available evidence is currently insufficient to determine the role of this variant in disease. Therefore, it has been classified as a Variant of Uncertain Significance.

Ambry Genetics
Classification: Uncertain significance for Inborn genetic diseases. Last evaluated: 2025-04-10. Review status: criteria provided, single submitter. Criteria: Ambry Variant Classification Scheme 2023. Collection method: clinical testing. Allele origin: germline.